The following is an entry in ClinVar:

ClinVar aggregate classification (germline): Uncertain significance (1 of 4 stars; one submission).

Conditions:
Long QT syndrome (LQTS). Identifiers: MedGen C0023976, MeSH D008133, MONDO:0002442. Disease mechanism: loss of function. Inheritance: Various modes of inheritance.

Allele frequency attached by ClinVar (database versions not stated): TOPMed below 0.00001; ExAC 0.00001; gnomAD exomes 0.00001; gnomAD 0.00002.
gnomAD v4.1: 14 of 1,603,682 alleles (0.00087%); highest among the groups gnomAD compares: Admixed American, 0.0017%; no homozygotes.

Submission:

Labcorp Genetics (formerly Invitae), Labcorp
Classification: Uncertain significance for Long QT syndrome. Last evaluated: 2019-09-28. Review status: criteria provided, single submitter. Criteria: Invitae Variant Classification Sherloc (09022015). Collection method: clinical testing. Allele origin: germline.
Comment: Algorithms developed to predict the effect of missense changes on protein structure and function (SIFT, PolyPhen-2, Align-GVGD) all suggest that this variant is likely to be tolerated, but these predictions have not been confirmed by published functional studies and their clinical significance is uncertain. This variant has not been reported in the literature in individuals with AKAP9-related disease. This variant is present in population databases (rs762026625, ExAC 0.002%). This sequence change replaces threonine with isoleucine at codon 1215 of the AKAP9 protein (p.Thr1215Ile). The threonine residue is moderately conserved and there is a moderate physicochemical difference between threonine and isoleucine. In summary, the available evidence is currently insufficient to determine the role of this variant in disease. Therefore, it has been classified as a Variant of Uncertain Significance.

NM_005751.5(AKAP9):c.3644C>T (p.Thr1215Ile)

Gene: AKAP9 (A-kinase anchoring protein 9; plus strand). Cytogenetic location: 7q21.2.
Variant type: single nucleotide variant.
Coding change: c.3644C>T on transcript NM_005751.5 (MANE Select); coding-DNA position 3644, C replaced by T.
Protein change: p.Thr1215Ile; replaces threonine 1215 with isoleucine.
Molecular consequence: missense variant.
Genome position (GRCh38, 1-based): chr7:92,016,160, C>T. VCF-style: chr7-92016160-C-T. GRCh37 (hg19) VCF-style: chr7-91645474-C-T.
Other names: c.3644C>T, p.Thr1215Ile (NM_147185.3); short protein forms T1215I.
Identifiers: ClinVar variation 956191 (VCV000956191.9), dbSNP rs762026625, ClinGen allele CA4336361.